The following is an entry in ClinVar:

ClinVar aggregate classification (germline): Uncertain significance. Review status: criteria provided, multiple submitters, no conflicts (2 of 4 stars). 5 submissions from 5 submitters: Uncertain significance (5). Last evaluated 2026-04-09.

Conditions:
BBS5-related disorder. Also called: BBS5-related condition.
Bardet-Biedl syndrome (BBS). Identifiers: Orphanet 110, MedGen C0752166, MONDO:0015229.
Inborn genetic diseases. Identifiers: MedGen C0950123, MeSH D030342.
Bardet-Biedl syndrome 5 (BBS5). Identifiers: Orphanet 110, MedGen C3892039, MONDO:0014434, OMIM 615983.

Allele frequency attached by ClinVar (database versions not stated): TOPMed 0.00007; 1000 Genomes Project 0.00020; 1000 Genomes Project 30x 0.00062; gnomAD exomes 0.00002 and 0.00003; ExAC 0.00003; gnomAD 0.00006.
gnomAD v4.1: 53 of 1,613,516 alleles (0.0033%); highest among the groups gnomAD compares: Middle Eastern, 0.017%; no homozygotes.

Submissions (5):

PreventionGenetics, part of Exact Sciences
Classification: Uncertain significance for BBS5-related condition. Last evaluated: 2026-04-09. Review status: criteria provided, single submitter. Criteria: ACMG Guidelines, 2015. Collection method: clinical testing. Allele origin: germline.
Comment: The BBS5 c.308G>A variant is predicted to result in the amino acid substitution p.Ser103Asn. To our knowledge, this variant has not been reported in the literature. This variant is reported in 0.0099% of alleles in individuals of Ashkenazi Jewish descent in gnomAD. At this time, the clinical significance of this variant is uncertain due to the absence of conclusive functional and genetic evidence.

Fulgent Genetics
Classification: Uncertain significance for Bardet-Biedl syndrome 5. Last evaluated: 2024-04-23. Review status: criteria provided, single submitter. Criteria: ACMG Guidelines, 2015. Collection method: clinical testing. Allele origin: germline.

Ambry Genetics
Classification: Uncertain significance for Inborn genetic diseases. Last evaluated: 2023-02-22. Review status: criteria provided, single submitter. Criteria: Ambry Variant Classification Scheme 2023. Collection method: clinical testing. Allele origin: germline.

Labcorp Genetics (formerly Invitae), Labcorp
Classification: Uncertain significance for Bardet-Biedl syndrome. Last evaluated: 2022-09-01. Review status: criteria provided, single submitter. Criteria: Invitae Variant Classification Sherloc (09022015). Collection method: clinical testing. Allele origin: germline.
Comment: This sequence change replaces serine, which is neutral and polar, with asparagine, which is neutral and polar, at codon 103 of the BBS5 protein (p.Ser103Asn). This variant is present in population databases (rs567175904, gnomAD 0.007%). This variant has not been reported in the literature in individuals affected with BBS5-related conditions. ClinVar contains an entry for this variant (Variation ID: 1018152). Algorithms developed to predict the effect of missense changes on protein structure and function (SIFT, PolyPhen-2, Align-GVGD) all suggest that this variant is likely to be tolerated. In summary, the available evidence is currently insufficient to determine the role of this variant in disease. Therefore, it has been classified as a Variant of Uncertain Significance.

New York Genome Center
Classification: Uncertain significance for Bardet-Biedl syndrome 5. Last evaluated: 2022-04-06. Review status: criteria provided, single submitter. Criteria: NYGC Assertion Criteria 2020. Collection method: clinical testing. Allele origin: germline. Observed: 1 heterozygote.

NM_152384.3(BBS5):c.308G>A (p.Ser103Asn)

Gene: BBS5 (Bardet-Biedl syndrome 5; plus strand). Cytogenetic location: 2q31.1.
Variant type: single nucleotide variant.
Coding change: c.308G>A on transcript NM_152384.3 (MANE Select); coding-DNA position 308, G replaced by A.
Protein change: p.Ser103Asn; replaces serine 103 with asparagine.
Molecular consequence: missense variant.
Genome position (GRCh38, 1-based): chr2:169,488,036, G>A. VCF-style: chr2-169488036-G-A. GRCh37 (hg19) VCF-style: chr2-170344546-G-A.
Other names: c.308G>A (NM_152384.2); short protein forms S103N.
Identifiers: ClinVar variation 1018152 (VCV001018152.10), dbSNP rs567175904, ClinGen allele CA1956182.